The following is an entry in ClinVar:

NM_002693.3(POLG):c.2265+6T>A

Gene: POLG (DNA polymerase gamma, catalytic subunit; minus strand). Cytogenetic location: 15q26.1.
Variant type: single nucleotide variant.
Coding change: c.2265+6T>A on transcript NM_002693.3 (MANE Select); 6 bases into the intron after coding-DNA position 2265, T replaced by A.
Molecular consequence: intron variant.
Genome position (GRCh38, 1-based): chr15:89,323,398, A>T on the plus strand (T>A on the coding strand, the complement: POLG is on the minus strand). VCF-style: chr15-89323398-A-T. GRCh37 (hg19) VCF-style: chr15-89866629-A-T.
Other names: c.2265+6T>A (NM_001126131.2).
Identifiers: ClinVar variation 510822 (VCV000510822.7), dbSNP rs746650160, ClinGen allele CA7724535.

ClinVar aggregate classification (germline): Conflicting classifications of pathogenicity. Review status: criteria provided, conflicting classifications (1 of 4 stars). 2 submissions from 2 submitters: Uncertain significance (1); Likely benign (1). Last evaluated 2024-10-11.

Conditions:
Progressive sclerosing poliodystrophy (MTDPS4A). Also called: Alpers-Huttenlocher Syndrome (AHS); ALPERS PROGRESSIVE INFANTILE POLIODYSTROPHY; Mitochondrial DNA Depletion Syndrome 4A; Mitochondrial DNA depletion syndrome 4A (Alpers type); NEURONAL DEGENERATION OF CHILDHOOD WITH LIVER DISEASE, PROGRESSIVE; Alpers Syndrome. Identifiers: Orphanet 726, MedGen C0205710, MONDO:0008758, OMIM 203700.

Allele frequency attached by ClinVar (database versions not stated): gnomAD 0.00003; gnomAD exomes 0.00001; TOPMed 0.00001; ExAC 0.00003.
gnomAD v4.1: 26 of 1,589,072 alleles (0.0016%); highest among the groups gnomAD compares: Middle Eastern, 0.05%; no homozygotes.

Submissions (2):

Labcorp Genetics (formerly Invitae), Labcorp
Classification: Uncertain significance for Progressive sclerosing poliodystrophy. Last evaluated: 2024-10-11. Review status: criteria provided, single submitter. Criteria: Invitae Variant Classification Sherloc (09022015). Collection method: clinical testing. Allele origin: germline.
Comment: This sequence change falls in intron 13 of the POLG gene. It does not directly change the encoded amino acid sequence of the POLG protein. It affects a nucleotide within the consensus splice site. This variant is present in population databases (rs746650160, gnomAD 0.007%). This variant has not been reported in the literature in individuals affected with POLG-related conditions. ClinVar contains an entry for this variant (Variation ID: 510822). Variants that disrupt the consensus splice site are a relatively common cause of aberrant splicing (PMID: 17576681, 9536098). Algorithms developed to predict the effect of sequence changes on RNA splicing suggest that this variant may disrupt the consensus splice site. In summary, the available evidence is currently insufficient to determine the role of this variant in disease. Therefore, it has been classified as a Variant of Uncertain Significance.

GeneDx
Classification: Likely benign. Last evaluated: 2020-02-17. Review status: criteria provided, single submitter. Criteria: GeneDx Variant Classification Process June 2021. Collection method: clinical testing. Allele origin: germline. Affected: yes.

Literature cited by the submitters: PubMed 17576681 (cited by Labcorp Genetics (formerly Invitae), Labcorp); PubMed 9536098 (cited by Labcorp Genetics (formerly Invitae), Labcorp).